The following is an entry in ClinVar:

NM_016507.4(CDK12):c.3289G>T (p.Gly1097Trp)

Gene: CDK12 (cyclin dependent kinase 12; plus strand). Cytogenetic location: 17q12.
Variant type: single nucleotide variant.
Coding change: c.3289G>T on transcript NM_016507.4 (MANE Select); coding-DNA position 3289, G replaced by T.
Protein change: p.Gly1097Trp; replaces glycine 1097 with tryptophan.
Molecular consequence: missense variant.
Genome position (GRCh38, 1-based): chr17:39,524,867, G>T. VCF-style: chr17-39524867-G-T. GRCh37 (hg19) VCF-style: chr17-37681120-G-T.
Other names: c.3289G>T, p.Gly1097Trp (NM_015083.4); short protein forms G1097W.
Identifiers: ClinVar variation 3999375 (VCV003999375.1).

ClinVar aggregate classification (germline): Uncertain significance (1 of 4 stars; one submission).

gnomAD v4.1: 1 of 1,613,642 alleles (0.000062%); highest among the groups gnomAD compares: African/African-American, 0.0013%; no homozygotes.

Submission:

Ambry Genetics
Classification: Uncertain significance. Last evaluated: 2025-04-19. Review status: criteria provided, single submitter. Criteria: Ambry Variant Classification Scheme 2023. Collection method: clinical testing. Allele origin: germline.
Comment: The p.G1097W variant (also known as c.3289G>T), located in coding exon 12 of the CDK12 gene, results from a G to T substitution at nucleotide position 3289. The glycine at codon 1097 is replaced by tryptophan, an amino acid with highly dissimilar properties. This amino acid position is conserved. In addition, this alteration is predicted to be tolerated by in silico analysis. Based on the available evidence, the clinical significance of this variant remains unclear.